The following is an entry in ClinVar:

NM_001375380.1(EBF3):c.1561+1G>C

Gene: EBF3 (EBF transcription factor 3; minus strand). Cytogenetic location: 10q26.3.
Variant type: single nucleotide variant.
Coding change: c.1561+1G>C on transcript NM_001375380.1 (MANE Select); the canonical splice donor site of the intron after coding-DNA position 1561, G replaced by C.
Molecular consequence: splice donor variant. On other transcripts: intron variant (1).
Genome position (GRCh38, 1-based): chr10:129,840,843, C>G on the plus strand (G>C on the coding strand, the complement: EBF3 is on the minus strand). VCF-style: chr10-129840843-C-G. GRCh37 (hg19) VCF-style: chr10-131639107-C-G.
Other names: c.1346-401G>C (NM_001375392.1); c.1534+1G>C (NM_001005463.3, NM_001375390.1); c.1561+1G>C (NM_001375391.1, NM_001375389.1, NM_001375379.1).
Identifiers: ClinVar variation 4882549 (VCV004882549.2).
Genomic context (GRCh38, chr10:129,840,843, plus strand): 5'-CACTCGACTCGGTAGTGAATATGAATCTGCGTGATGACGTGTGACAAAAACAGACACTTA[C>G]TGCCGTAGGGAGAGTTAGCGGAGGAGCCATTAAGAAATCCAGGCGAGCCAGGGACCCCTA-3'

ClinVar aggregate classification (germline): Uncertain significance (1 of 4 stars; one submission).

Conditions:
Hypotonia, ataxia, and delayed development syndrome (HADDS). Also called: EBF3 Neurodevelopmental Disorder. Identifiers: Orphanet 658843, MedGen C4310618, MONDO:0015021, OMIM 617330.

Submission:

Dasa
Classification: Uncertain significance for Hypotonia, ataxia, and delayed development syndrome. Last evaluated: 2025-03-21. Review status: criteria provided, single submitter. Criteria: DASA Assertion Criteria. Collection method: clinical testing. Allele origin: germline.
Comment: NM_001375380.1(EBF3):c.1561+1G>C affects a canonical splice site and is predicted to disrupt normal RNA splicing. This variant is absent from population databases. The currently available literature and clinical evidence are not sufficient to establish a definitive association between this variant and the reported condition. Therefore, this variant is classified as a variant of uncertain significance.